The following is an entry in ClinVar:

NM_030662.4(MAP2K2):c.7G>A (p.Ala3Thr)

Genes: MAP2K2 (mitogen-activated protein kinase kinase 2; minus strand), LOC130063193 (ATAC-STARR-seq lymphoblastoid silent region 9881; plus strand). Cytogenetic location: 19p13.3.
Variant type: single nucleotide variant.
Coding change: c.7G>A on transcript NM_030662.4 (MANE Select); coding-DNA position 7, G replaced by A.
Protein change: p.Ala3Thr; replaces alanine 3 with threonine.
Molecular consequence: missense variant.
Genome position (GRCh38, 1-based): chr19:4,123,869, C>T on the plus strand (G>A on the coding strand, the complement: MAP2K2 is on the minus strand). VCF-style: chr19-4123869-C-T. GRCh37 (hg19) VCF-style: chr19-4123866-C-T.
Other names: c.7G>A, p.Ala3Thr (NM_001440688.1); short protein forms A3T.
Identifiers: ClinVar variation 4705480 (VCV004705480.1).

ClinVar aggregate classification (germline): Uncertain significance (1 of 4 stars; one submission).

Conditions:
RASopathy. Also called: rasopathies; Noonan spectrum disorder. Identifiers: Orphanet 536391, MedGen C5555857, MONDO:0021060.

gnomAD v4.1: 2 of 1,485,712 alleles (0.00013%); highest among the groups gnomAD compares: Non-Finnish European, 0.00018%; no homozygotes.

Submission:

Labcorp Genetics (formerly Invitae), Labcorp
Classification: Uncertain significance for RASopathy. Last evaluated: 2025-03-11. Review status: criteria provided, single submitter. Criteria: Invitae Variant Classification Sherloc (09022015). Collection method: clinical testing. Allele origin: germline.
Comment: This sequence change replaces alanine, which is neutral and non-polar, with threonine, which is neutral and polar, at codon 3 of the MAP2K2 protein (p.Ala3Thr). This variant is not present in population databases (gnomAD no frequency). This variant has not been reported in the literature in individuals affected with MAP2K2-related conditions. Invitae Evidence Modeling of protein sequence and biophysical properties (such as structural, functional, and spatial information, amino acid conservation, physicochemical variation, residue mobility, and thermodynamic stability) has been performed for this missense variant. However, the output from this modeling did not meet the statistical confidence thresholds required to predict the impact of this variant on MAP2K2 protein function. In summary, the available evidence is currently insufficient to determine the role of this variant in disease. Therefore, it has been classified as a Variant of Uncertain Significance.